The following is an entry in ClinVar:

NM_003737.4(DCHS1):c.800G>A (p.Ser267Asn)

Gene: DCHS1 (dachsous cadherin-related 1; minus strand). Cytogenetic location: 11p15.4.
Variant type: single nucleotide variant.
Coding change: c.800G>A on transcript NM_003737.4 (MANE Select); coding-DNA position 800, G replaced by A.
Protein change: p.Ser267Asn; replaces serine 267 with asparagine.
Molecular consequence: missense variant.
Genome position (GRCh38, 1-based): chr11:6,640,814, C>T on the plus strand (G>A on the coding strand, the complement: DCHS1 is on the minus strand). VCF-style: chr11-6640814-C-T. GRCh37 (hg19) VCF-style: chr11-6662045-C-T.
Other names: c.800G>A (NM_003737.2); short protein forms S267N.
Identifiers: ClinVar variation 3016199 (VCV003016199.4), dbSNP rs766255028, ClinGen allele CA5861086.

ClinVar aggregate classification (germline): Uncertain significance. Review status: criteria provided, multiple submitters, no conflicts (2 of 4 stars). 2 submissions from 2 submitters: Uncertain significance (2). Last evaluated 2025-02-26.

Conditions:
Inborn genetic diseases. Identifiers: MedGen C0950123, MeSH D030342.

Allele frequency attached by ClinVar (database versions not stated): gnomAD 0.00001; TOPMed 0.00002.
gnomAD v4.1: 92 of 1,613,946 alleles (0.0057%); highest among the groups gnomAD compares: Non-Finnish European, 0.0074%; no homozygotes.

Submissions (2):

Ambry Genetics
Classification: Uncertain significance for Inborn genetic diseases. Last evaluated: 2025-02-26. Review status: criteria provided, single submitter. Criteria: Ambry Variant Classification Scheme 2023. Collection method: clinical testing. Allele origin: germline.

Labcorp Genetics (formerly Invitae), Labcorp
Classification: Uncertain significance. Last evaluated: 2024-10-30. Review status: criteria provided, single submitter. Criteria: Invitae Variant Classification Sherloc (09022015). Collection method: clinical testing. Allele origin: germline.
Comment: This sequence change replaces serine, which is neutral and polar, with asparagine, which is neutral and polar, at codon 267 of the DCHS1 protein (p.Ser267Asn). This variant is present in population databases (rs766255028, gnomAD 0.004%). This variant has not been reported in the literature in individuals affected with DCHS1-related conditions. ClinVar contains an entry for this variant (Variation ID: 3016199). Invitae Evidence Modeling of protein sequence and biophysical properties (such as structural, functional, and spatial information, amino acid conservation, physicochemical variation, residue mobility, and thermodynamic stability) indicates that this missense variant is not expected to disrupt DCHS1 protein function with a negative predictive value of 95%. In summary, the available evidence is currently insufficient to determine the role of this variant in disease. Therefore, it has been classified as a Variant of Uncertain Significance.